The following is an entry in ClinVar:

NM_004247.4(EFTUD2):c.508A>G (p.Ile170Val)

Gene: EFTUD2 (elongation factor Tu GTP binding domain containing 2; minus strand). Cytogenetic location: 17q21.31.
Variant type: single nucleotide variant.
Coding change: c.508A>G on transcript NM_004247.4 (MANE Select); coding-DNA position 508, A replaced by G.
Protein change: p.Ile170Val; replaces isoleucine 170 with valine.
Molecular consequence: missense variant.
Genome position (GRCh38, 1-based): chr17:44,881,707, T>C on the plus strand (A>G on the coding strand, the complement: EFTUD2 is on the minus strand). VCF-style: chr17-44881707-T-C. GRCh37 (hg19) VCF-style: chr17-42959075-T-C.
Other names: c.508A>G (NM_004247.3); c.403A>G, p.Ile135Val (NM_001142605.2); c.508A>G, p.Ile170Val (NM_001258353.2); c.478A>G, p.Ile160Val (NM_001258354.2); short protein forms I160V, I135V, I170V.
Identifiers: ClinVar variation 4705561 (VCV004705561.2).

ClinVar aggregate classification (germline): Uncertain significance. Review status: criteria provided, multiple submitters, no conflicts (2 of 4 stars). 2 submissions from 2 submitters: Uncertain significance (2). Last evaluated 2026-01-21.

Conditions:
Inborn genetic diseases. Identifiers: MedGen C0950123, MeSH D030342.

gnomAD v4.1: 1 of 1,614,174 alleles (0.000062%); highest among the groups gnomAD compares: Non-Finnish European, 0.000085%; no homozygotes.

Submissions (2):

Ambry Genetics
Classification: Uncertain significance for Inborn genetic diseases. Last evaluated: 2026-01-21. Review status: criteria provided, single submitter. Criteria: Ambry Variant Classification Scheme 2023. Collection method: clinical testing. Allele origin: germline.
Comment: The c.508A>G (p.I170V) alteration is located in exon 7 (coding exon 6) of the EFTUD2 gene. This alteration results from a A to G substitution at nucleotide position 508, causing the isoleucine (I) at amino acid position 170 to be replaced by a valine (V). Based on data from gnomAD, the G allele has an overall frequency of <0.001% (1/251438) total alleles studied. The highest observed frequency was 0.006% (1/16256) of African alleles. Based on insufficient or conflicting evidence, the clinical significance of this alteration remains unclear.

Labcorp Genetics (formerly Invitae), Labcorp
Classification: Uncertain significance. Last evaluated: 2025-08-08. Review status: criteria provided, single submitter. Criteria: Invitae Variant Classification Sherloc (09022015). Collection method: clinical testing. Allele origin: germline.
Comment: This sequence change replaces isoleucine, which is neutral and non-polar, with valine, which is neutral and non-polar, at codon 170 of the EFTUD2 protein (p.Ile170Val). This variant is not present in population databases (gnomAD no frequency). This variant has not been reported in the literature in individuals affected with EFTUD2-related conditions. Invitae Evidence Modeling of protein sequence and biophysical properties (such as structural, functional, and spatial information, amino acid conservation, physicochemical variation, residue mobility, and thermodynamic stability) indicates that this missense variant is not expected to disrupt EFTUD2 protein function with a negative predictive value of 80%. In summary, the available evidence is currently insufficient to determine the role of this variant in disease. Therefore, it has been classified as a Variant of Uncertain Significance.